The following is an entry in ClinVar:

ClinVar aggregate classification (germline): Likely benign. Review status: criteria provided, multiple submitters, no conflicts (2 of 4 stars). 2 submissions from 2 submitters: Likely benign (2). Last evaluated 2023-10-25.

Allele frequency attached by ClinVar (database versions not stated): gnomAD exomes 0.00010 and 0.00003; 1000 Genomes Project 30x 0.00016; ExAC 0.00016; 1000 Genomes Project 0.00020; gnomAD 0.00038 and 0.00042; TOPMed 0.00048; ESP Exome Variant Server 0.00069.
gnomAD v4.1: 102 of 1,525,306 alleles (0.0067%); highest among the groups gnomAD compares: African/African-American, 0.13%; 1 homozygote.

Submissions (2):

Blueprint Genetics
Classification: Likely benign. Last evaluated: 2023-10-25. Review status: criteria provided, single submitter. Criteria: ACMG Guidelines, 2015. Collection method: clinical testing. Allele origin: germline.

GeneDx
Classification: Likely benign. Last evaluated: 2016-03-03. Review status: criteria provided, single submitter. Criteria: GeneDx Variant Classification (06012015). Collection method: clinical testing. Allele origin: germline. Affected: yes.
Comment: This variant is considered likely benign or benign based on one or more of the following criteria: it is a conservative change, it occurs at a poorly conserved position in the protein, it is predicted to be benign by multiple in silico algorithms, and/or has population frequency not consistent with disease.

NM_020751.3(COG6):c.369+13G>A

Gene: COG6 (component of oligomeric golgi complex 6; plus strand). Cytogenetic location: 13q14.11.
Variant type: single nucleotide variant.
Coding change: c.369+13G>A on transcript NM_020751.3 (MANE Select); 13 bases into the intron after coding-DNA position 369, G replaced by A.
Molecular consequence: intron variant.
Genome position (GRCh38, 1-based): chr13:39,660,894, G>A. VCF-style: chr13-39660894-G-A. GRCh37 (hg19) VCF-style: chr13-40235031-G-A.
Other names: c.369+13G>A (NM_001145079.2).
Identifiers: ClinVar variation 383055 (VCV000383055.2), dbSNP rs368677211, ClinGen allele CA6958290.